The following is an entry in ClinVar:

ClinVar aggregate classification (germline): Conflicting classifications of pathogenicity. Review status: criteria provided, conflicting classifications (1 of 4 stars). 4 submissions from 4 submitters: Uncertain significance (3); Likely benign (1). Last evaluated 2026-02-06.

Conditions:
Congenital contractural arachnodactyly (CCA). Also called: BEALS SYNDROME; Beals-Hecht syndrome; Arthrogryposis, distal, type 9. Identifiers: Orphanet 115, MedGen C0220668, MONDO:0007363, OMIM 121050.
Macular degeneration, early-onset (EOMD). Identifiers: MedGen C4015286, MONDO:0014501, OMIM 616118.
Familial thoracic aortic aneurysm and aortic dissection (TAAD). Also called: Thoracic aortic aneurysms and dissections. Identifiers: Orphanet 91387, MedGen C4707243, MONDO:0019625.

Allele frequency attached by ClinVar (database versions not stated): gnomAD exomes 0.00001 and 0.00002; ExAC 0.00002; TOPMed 0.00005; gnomAD 0.00006; ESP Exome Variant Server 0.00015.
gnomAD v4.1: 22 of 1,613,120 alleles (0.0014%); highest among the groups gnomAD compares: African/African-American, 0.015%; no homozygotes.

Submissions (4):

Ambry Genetics
Classification: Uncertain significance for Familial thoracic aortic aneurysm and aortic dissection. Last evaluated: 2026-02-06. Review status: criteria provided, single submitter. Criteria: Ambry Variant Classification Scheme 2023. Collection method: clinical testing. Allele origin: germline.
Comment: The p.V1952A variant (also known as c.5855T>C), located in coding exon 46 of the FBN2 gene, results from a T to C substitution at nucleotide position 5855. The valine at codon 1952 is replaced by alanine, an amino acid with similar properties. This amino acid position is highly conserved in available vertebrate species. In addition, this alteration is predicted to be deleterious by in silico analysis. Based on the available evidence, the clinical significance of this variant remains unclear.

Labcorp Genetics (formerly Invitae), Labcorp
Classification: Likely benign for Congenital contractural arachnodactyly. Last evaluated: 2025-03-23. Review status: criteria provided, single submitter. Criteria: Invitae Variant Classification Sherloc (09022015). Collection method: clinical testing. Allele origin: germline.

ARUP Laboratories, Molecular Genetics and Genomics, ARUP Laboratories
Classification: Uncertain significance. Last evaluated: 2019-02-28. Review status: criteria provided, single submitter. Criteria: ARUP Molecular Germline Variant Investigation Process. Collection method: clinical testing. Allele origin: germline.
Comment: The FBN2 c.5855T>C; p.Val1952Ala variant (rs372879535), to our knowledge, is not described in the medical literature or in gene-specific databases. It is observed in the general population at a low overall frequency of 0.0028% (8/282804 alleles) in the Genome Aggregation Database. The valine at codon 1952 is highly conserved, and computational algorithms (PolyPhen-2, SIFT) predict that this variant is deleterious. However, due to the lack of clinical and functional data regarding this variant, its clinical significance cannot be determined with certainty.

Center for Genomics, Ann and Robert H. Lurie Children's Hospital of Chicago
Classification: Uncertain significance for Macular degeneration, early-onset; Congenital contractural arachnodactyly. Review status: criteria provided, single submitter. Criteria: ACMG Guidelines, 2015. Collection method: clinical testing. Allele origin: germline.
Comment: FBN2 NM_001999.3 exon 46 p.Val1952Ala (c.5855T>C): This variant has not been reported in the literature but is present in 0.02% (5/24966) of African alleles in the Genome Aggregation Database. Evolutionary conservation and computational predictive tools suggest that this variant may impact the protein. In summary, data on this variant is insufficient for disease classification. Therefore, the clinical significance of this variant is uncertain.

NM_001999.4(FBN2):c.5855T>C (p.Val1952Ala)

Gene: FBN2 (fibrillin 2; minus strand). Cytogenetic location: 5q23.3.
Variant type: single nucleotide variant.
Coding change: c.5855T>C on transcript NM_001999.4 (MANE Select); coding-DNA position 5855, T replaced by C.
Protein change: p.Val1952Ala; replaces valine 1952 with alanine.
Molecular consequence: missense variant.
Genome position (GRCh38, 1-based): chr5:128,303,035, A>G on the plus strand (T>C on the coding strand, the complement: FBN2 is on the minus strand). VCF-style: chr5-128303035-A-G. GRCh37 (hg19) VCF-style: chr5-127638727-A-G.
Other names: short protein forms V1952A.
Identifiers: ClinVar variation 811308 (VCV000811308.21), dbSNP rs372879535, ClinGen allele CA3394569.